The following is an entry in ClinVar:

NM_001482.3(GATM):c.472T>C (p.Phe158Leu)

Gene: GATM (glycine amidinotransferase; minus strand). Cytogenetic location: 15q21.1.
Variant type: single nucleotide variant.
Coding change: c.472T>C on transcript NM_001482.3 (MANE Select); coding-DNA position 472, T replaced by C.
Protein change: p.Phe158Leu; replaces phenylalanine 158 with leucine.
Molecular consequence: missense variant.
Genome position (GRCh38, 1-based): chr15:45,369,338, A>G on the plus strand (T>C on the coding strand, the complement: GATM is on the minus strand). VCF-style: chr15-45369338-A-G. GRCh37 (hg19) VCF-style: chr15-45661536-A-G.
Other names: c.85T>C, p.Phe29Leu (NM_001321015.2); short protein forms F158L, F29L.
Identifiers: ClinVar variation 2717784 (VCV002717784.4), dbSNP rs2541993996, ClinGen allele CA392261495.

ClinVar aggregate classification (germline): Uncertain significance. Review status: criteria provided, multiple submitters, no conflicts (2 of 4 stars). 2 submissions from 2 submitters: Uncertain significance (2). Last evaluated 2024-03-19.

Conditions:
Arginine:glycine amidinotransferase deficiency (CCDS3). Also called: Cerebral creatine deficiency syndrome 3; AGAT deficiency; L-Arginine:Glycine Amidinotransferase Deficiency; Creatine deficiency syndrome due to AGAT deficiency; GATM deficiency; L-Arginine:Glycine Amidinotransferase (AGAT) Deficiency. Identifiers: Orphanet 35704, MedGen C2675179, MONDO:0012996, OMIM 612718.
Fanconi renotubular syndrome 1. Also called: Toni-Debre-Fanconi syndrome; Neonatal De Toni-Debre-Fanconi syndrome; De Toni-Fanconi syndrome; FRTS1; LUDER-SHELDON SYNDROME. Identifiers: MedGen C4551503, MONDO:0024525, OMIM 134600.

Submissions (2):

Fulgent Genetics
Classification: Uncertain significance for Fanconi renotubular syndrome 1; Arginine:glycine amidinotransferase deficiency. Last evaluated: 2024-03-19. Review status: criteria provided, single submitter. Criteria: ACMG Guidelines, 2015. Collection method: clinical testing. Allele origin: germline.

Labcorp Genetics (formerly Invitae), Labcorp
Classification: Uncertain significance for Arginine:glycine amidinotransferase deficiency. Last evaluated: 2023-06-16. Review status: criteria provided, single submitter. Criteria: Invitae Variant Classification Sherloc (09022015). Collection method: clinical testing. Allele origin: germline.
Comment: Advanced modeling of protein sequence and biophysical properties (such as structural, functional, and spatial information, amino acid conservation, physicochemical variation, residue mobility, and thermodynamic stability) performed at Invitae indicates that this missense variant is expected to disrupt GATM protein function. This variant has not been reported in the literature in individuals affected with GATM-related conditions. This variant is not present in population databases (gnomAD no frequency). This sequence change replaces phenylalanine, which is neutral and non-polar, with leucine, which is neutral and non-polar, at codon 158 of the GATM protein (p.Phe158Leu). In summary, the available evidence is currently insufficient to determine the role of this variant in disease. Therefore, it has been classified as a Variant of Uncertain Significance.